The following is an entry in ClinVar:

ClinVar aggregate classification (germline): Uncertain significance (1 of 4 stars; one submission).

Conditions:
Genitopatellar syndrome (GTPTS). Also called: ABSENT PATELLAE, SCROTAL HYPOPLASIA, RENAL ANOMALIES, FACIAL DYSMORPHISM, AND MENTAL RETARDATION; Genitopatellar syndrome (GPS). Identifiers: Orphanet 85201, MedGen C1853566, MONDO:0011640, OMIM 606170.

gnomAD v4.1: 1 of 1,614,038 alleles (0.000062%); highest among the groups gnomAD compares: Non-Finnish European, 0.000085%; no homozygotes.

Submission:

Labcorp Genetics (formerly Invitae), Labcorp
Classification: Uncertain significance for Genitopatellar syndrome. Last evaluated: 2025-12-01. Review status: criteria provided, single submitter. Criteria: Invitae Variant Classification Sherloc (09022015). Collection method: clinical testing. Allele origin: germline.
Comment: This sequence change replaces glycine, which is neutral and non-polar, with valine, which is neutral and non-polar, at codon 94 of the KAT6B protein (p.Gly94Val). This variant is not present in population databases (gnomAD no frequency). This variant has not been reported in the literature in individuals affected with KAT6B-related conditions. An algorithm developed to predict the effect of missense changes on protein structure and function (PolyPhen-2) suggests that this variant is likely to be tolerated. In summary, the available evidence is currently insufficient to determine the role of this variant in disease. Therefore, it has been classified as a Variant of Uncertain Significance.

NM_012330.4(KAT6B):c.281G>T (p.Gly94Val)

Gene: KAT6B (lysine acetyltransferase 6B; plus strand). Cytogenetic location: 10q22.2.
Variant type: single nucleotide variant.
Coding change: c.281G>T on transcript NM_012330.4 (MANE Select); coding-DNA position 281, G replaced by T.
Protein change: p.Gly94Val; replaces glycine 94 with valine.
Molecular consequence: missense variant. On other transcripts: 5 prime UTR variant (2).
Genome position (GRCh38, 1-based): chr10:74,843,138, G>T. VCF-style: chr10-74843138-G-T. GRCh37 (hg19) VCF-style: chr10-76602896-G-T.
Other names: c.281G>T, p.Gly94Val (NM_001256468.2, NM_001256469.2, NM_001370132.1 and 10 more transcripts); c.-258G>T (NM_001370134.1, NM_001370135.1); short protein forms G94V.
Identifiers: ClinVar variation 4731967 (VCV004731967.1).